The following is an entry in ClinVar:

ClinVar aggregate classification (germline): Likely benign. Review status: criteria provided, multiple submitters, no conflicts (2 of 4 stars). 3 submissions from 3 submitters: Likely benign (3). Last evaluated 2025-11-09.

Submissions (3):

Labcorp Genetics (formerly Invitae), Labcorp
Classification: Likely benign. Last evaluated: 2025-11-09. Review status: criteria provided, single submitter. Criteria: Invitae Variant Classification Sherloc (09022015). Collection method: clinical testing. Allele origin: germline.

CeGaT Center for Human Genetics Tuebingen
Classification: Likely benign. Last evaluated: 2023-05-01. Review status: criteria provided, single submitter. Criteria: CeGaT Center For Human Genetics Tuebingen Variant Classification Criteria Version 2. Collection method: clinical testing. Allele origin: germline. Affected: yes. Observed: 2 variant alleles.
Comment: PCLO: BP4

Blueprint Genetics
Classification: Likely benign. Last evaluated: 2021-10-08. Review status: criteria provided, single submitter. Criteria: ACMG Guidelines, 2015. Collection method: clinical testing. Allele origin: germline.

NM_033026.6(PCLO):c.3300+7_3300+8insTTTATATATATATATA

Gene: PCLO (piccolo presynaptic cytomatrix protein; minus strand). Cytogenetic location: 7q21.11.
Variant type: Microsatellite.
Coding change: c.3300+7_3300+8insTTTATATATATATATA on transcript NM_033026.6 (MANE Select); bases 7 to 8 of the intron after coding-DNA position 3300, TTTATATATATATATA inserted.
Molecular consequence: intron variant.
Genome position: GRCh38 VCF-style: chr7-83134242-T-TATATATATATATATAA. GRCh37 (hg19) VCF-style: chr7-82763558-T-TATATATATATATATAA.
Other names: c.3300+7_3300+8insTTTATATATATATATA (NM_014510.3).
Identifiers: ClinVar variation 1568459 (VCV001568459.32), dbSNP rs746054139.